The following is an entry in ClinVar:

ClinVar aggregate classification (germline): Likely benign. Review status: criteria provided, multiple submitters, no conflicts (2 of 4 stars). 5 submissions from 5 submitters: Likely benign (4). 1 of the submissions does not count toward it. Last evaluated 2026-01-24.

Conditions:
Cohen syndrome (COH1). Also called: Cutis verticis gyrata, retinitis pigmentosa, and sensorineural deafness; PEPPER SYNDROME. Identifiers: Orphanet 193, MedGen C0265223, MONDO:0008999, OMIM 216550.
VPS13B-related disorder. Also called: VPS13B-related condition.
Inborn genetic diseases. Identifiers: MedGen C0950123, MeSH D030342.

Allele frequency attached by ClinVar (database versions not stated): TOPMed 0.00008; gnomAD exomes 0.00009 and 0.00017; gnomAD 0.00011; ExAC 0.00013; ESP Exome Variant Server 0.00015.
gnomAD v4.1: 158 of 1,613,658 alleles (0.0098%); highest among the groups gnomAD compares: Middle Eastern, 0.016%; no homozygotes.

Submissions (5):

Labcorp Genetics (formerly Invitae), Labcorp
Classification: Likely benign for Cohen syndrome. Last evaluated: 2026-01-24. Review status: criteria provided, single submitter. Criteria: Invitae Variant Classification Sherloc (09022015). Collection method: clinical testing. Allele origin: germline.

CeGaT Center for Human Genetics Tuebingen
Classification: Likely benign. Last evaluated: 2025-11-01. Review status: criteria provided, single submitter. Criteria: CeGaT Center For Human Genetics Tuebingen Variant Classification Criteria Version 2. Collection method: clinical testing. Allele origin: germline. Affected: yes. Observed: 1 variant allele.
Comment: VPS13B: BP4, BP7

Blueprint Genetics
Classification: Likely benign. Last evaluated: 2024-06-28. Review status: criteria provided, single submitter. Criteria: ACMG Guidelines, 2015. Collection method: clinical testing. Allele origin: germline.

Ambry Genetics
Classification: Likely benign for Inborn genetic diseases. Last evaluated: 2017-03-29. Review status: criteria provided, single submitter. Criteria: Ambry Variant Classification Scheme 2023. Collection method: clinical testing. Allele origin: germline.

PreventionGenetics, part of Exact Sciences
Classification: Likely benign for VPS13B-related condition. Last evaluated: 2019-10-18. Review status: no assertion criteria provided. Collection method: clinical testing. Allele origin: germline. Not counted in ClinVar's aggregate classification.
Comment: This variant is classified as likely benign based on ACMG/AMP sequence variant interpretation guidelines (Richards et al. 2015 PMID: 25741868, with internal and published modifications).

NM_152564.5(VPS13B):c.3621C>T (p.Leu1207=)

Gene: VPS13B (vacuolar protein sorting 13 homolog B; plus strand). Cytogenetic location: 8q22.2.
Variant type: single nucleotide variant.
Coding change: c.3621C>T on transcript NM_152564.5 (MANE Select); coding-DNA position 3621, C replaced by T.
Protein change: p.Leu1207=; no amino-acid change (leucine 1207 retained).
Molecular consequence: synonymous variant.
Genome position (GRCh38, 1-based): chr8:99,467,589, C>T. VCF-style: chr8-99467589-C-T. GRCh37 (hg19) VCF-style: chr8-100479817-C-T.
Other names: c.3621C>T, p.Leu1207= (NM_017890.5); c.3621C>T (NM_152564.4).
Identifiers: ClinVar variation 589578 (VCV000589578.25), dbSNP rs373889030, ClinGen allele CA4823288.